The following is an entry in ClinVar:

ClinVar aggregate classification (germline): Uncertain significance (1 of 4 stars; one submission).

Allele frequency attached by ClinVar (database versions not stated): gnomAD exomes below 0.00001; gnomAD 0.00001; TOPMed 0.00001.
gnomAD v4.1: 3 of 1,598,822 alleles (0.00019%); highest among the groups gnomAD compares: African/African-American, 0.0027%; no homozygotes.

Submission:

Labcorp Genetics (formerly Invitae), Labcorp
Classification: Uncertain significance. Last evaluated: 2024-07-15. Review status: criteria provided, single submitter. Criteria: Invitae Variant Classification Sherloc (09022015). Collection method: clinical testing. Allele origin: germline.
Comment: This sequence change replaces histidine, which is basic and polar, with glutamine, which is neutral and polar, at codon 226 of the DNA2 protein (p.His226Gln). The frequency data for this variant in the population databases is considered unreliable, as metrics indicate poor data quality at this position in the gnomAD database. This variant has not been reported in the literature in individuals affected with DNA2-related conditions. ClinVar contains an entry for this variant (Variation ID: 1904366). Advanced modeling of protein sequence and biophysical properties (such as structural, functional, and spatial information, amino acid conservation, physicochemical variation, residue mobility, and thermodynamic stability) performed at Invitae indicates that this missense variant is not expected to disrupt DNA2 protein function with a negative predictive value of 80%. In summary, the available evidence is currently insufficient to determine the role of this variant in disease. Therefore, it has been classified as a Variant of Uncertain Significance.

NM_001080449.3(DNA2):c.678T>G (p.His226Gln)

Gene: DNA2 (DNA replication helicase/nuclease 2; minus strand). Cytogenetic location: 10q21.3.
Variant type: single nucleotide variant.
Coding change: c.678T>G on transcript NM_001080449.3 (MANE Select); coding-DNA position 678, T replaced by G.
Protein change: p.His226Gln; replaces histidine 226 with glutamine.
Molecular consequence: missense variant. On other transcripts: non-coding transcript variant (1).
Genome position (GRCh38, 1-based): chr10:68,459,145, A>C on the plus strand (T>G on the coding strand, the complement: DNA2 is on the minus strand). VCF-style: chr10-68459145-A-C. GRCh37 (hg19) VCF-style: chr10-70218902-A-C.
Other names: short protein forms H226Q.
Identifiers: ClinVar variation 1904366 (VCV001904366.5), dbSNP rs763610246, ClinGen allele CA5525241.